The following is an entry in ClinVar:

ClinVar aggregate classification (germline): Pathogenic (1 of 4 stars; one submission).

Submission:

GeneDx
Classification: Pathogenic. Last evaluated: 2022-02-28. Review status: criteria provided, single submitter. Criteria: GeneDx Variant Classification Process June 2021. Collection method: clinical testing. Allele origin: germline. Affected: yes.
Comment: Has not been previously published as pathogenic or benign to our knowledge; Not observed at significant frequency in large population cohorts (gnomAD); Frameshift variant predicted to result in protein truncation or nonsense mediated decay in a gene for which loss-of-function is a known mechanism of disease

NM_001005242.3(PKP2):c.1112_1114delinsTT (p.Ser371fs)

Gene: PKP2 (plakophilin 2; minus strand). Cytogenetic location: 12p11.21.
Variant type: Indel.
Coding change: c.1112_1114delinsTT on transcript NM_001005242.3 (MANE Select); coding-DNA positions 1112 to 1114, CTG replaced by TT.
Protein change: p.Ser371fs; shifts the reading frame from serine 371.
Molecular consequence: frameshift variant.
Genome position (GRCh38, 1-based): chr12:32,868,983-32,868,985, CAG replaced by AA on the plus strand (CTG replaced by TT on the coding strand, the reverse complement: PKP2 is on the minus strand). VCF-style: chr12-32868983-CAG-AA. GRCh37 (hg19) VCF-style: chr12-33021917-CAG-AA.
Other names: c.1112_1114delCTGinsTT (NM_004572.3); c.1112_1114delinsTT, p.Ser371fs (NM_004572.4); short protein forms S371fs.
Identifiers: ClinVar variation 423117 (VCV000423117.3), dbSNP rs1064796241, ClinGen allele CA16619519.
Genomic context (GRCh38, chr12:32,868,983, plus strand): 5'-TCACCCTCTTCCGAGCTTCAGATTTCTGGAAGCACTCGTGCTGTATGAAAGTAGCTGCAG[CAG>AA]AAATCCTGGATGGCAGCATGTGGTCTGCCTCGAGCATACTCACTGCTCGCTCCAGAGTCA-3'